The following is an entry in ClinVar:

NM_005198.5(CHKB):c.1157G>A (p.Gly386Glu)

Genes: CHKB (choline kinase beta; minus strand), CHKB-CPT1B (CHKB-CPT1B readthrough (NMD candidate); minus strand). Cytogenetic location: 22q13.33.
Variant type: single nucleotide variant.
Coding change: c.1157G>A on transcript NM_005198.5 (MANE Select); coding-DNA position 1157, G replaced by A.
Protein change: p.Gly386Glu; replaces glycine 386 with glutamic acid.
Molecular consequence: missense variant. On other transcripts: non-coding transcript variant (1).
Genome position (GRCh38, 1-based): chr22:50,579,212, C>T on the plus strand (G>A on the coding strand, the complement: CHKB is on the minus strand). VCF-style: chr22-50579212-C-T. GRCh37 (hg19) VCF-style: chr22-51017641-C-T.
Other names: short protein forms G386E.
Identifiers: ClinVar variation 2058181 (VCV002058181.2), dbSNP rs140289037, ClinGen allele CA10323462.
Genomic context (GRCh38, chr22:50,579,212, plus strand): 5'-GGAGAAATCCAAGGAGTGGGAGGGTGGAGTCAGGATGAGGAGTGGACACTGGTCAGCTGC[C>T]CCTTCTGCTGGAAGTAGAACTGGAACCGAGACTGGGCATAGTCCTAGGGAAGGAAACCCA-3'
Protein context (NP_005189.2, residues 376-395): SRFQFYFQQK[Gly386Glu]QLTSVHSSS

ClinVar aggregate classification (germline): Uncertain significance. Review status: criteria provided, multiple submitters, no conflicts (2 of 4 stars). 2 submissions from 2 submitters: Uncertain significance (2). Last evaluated 2025-04-25.

Conditions:
Inborn genetic diseases. Identifiers: MedGen C0950123, MeSH D030342.
Megaconial type congenital muscular dystrophy (MDCMC). Also called: CHKB-Related Muscular Dystrophy; MUSCULAR DYSTROPHY, CONGENITAL, WITH MITOCHONDRIAL STRUCTURAL ABNORMALITIES; CHKB-Related Muscle Diseases. Identifiers: Orphanet 280671, MedGen C1865233, MONDO:0011246, OMIM 602541.

Allele frequency attached by ClinVar (database versions not stated): ExAC 0.00002; gnomAD 0.00003; TOPMed 0.00003; gnomAD exomes 0.00004; ESP Exome Variant Server 0.00008.
gnomAD v4.1: 58 of 1,613,730 alleles (0.0036%); highest among the groups gnomAD compares: Non-Finnish European, 0.0045%; no homozygotes.

Submissions (2):

Ambry Genetics
Classification: Uncertain significance for Inborn genetic diseases. Last evaluated: 2025-04-25. Review status: criteria provided, single submitter. Criteria: Ambry Variant Classification Scheme 2023. Collection method: clinical testing. Allele origin: germline.

Labcorp Genetics (formerly Invitae), Labcorp
Classification: Uncertain significance for Megaconial type congenital muscular dystrophy. Last evaluated: 2022-04-21. Review status: criteria provided, single submitter. Criteria: Invitae Variant Classification Sherloc (09022015). Collection method: clinical testing. Allele origin: germline.
Comment: This sequence change replaces glycine, which is neutral and non-polar, with glutamic acid, which is acidic and polar, at codon 386 of the CHKB protein (p.Gly386Glu). This variant is present in population databases (rs140289037, gnomAD 0.007%). This variant has not been reported in the literature in individuals affected with CHKB-related conditions. Algorithms developed to predict the effect of missense changes on protein structure and function output the following: SIFT: "Tolerated"; PolyPhen-2: "Benign"; Align-GVGD: "Class C0". The glutamic acid amino acid residue is found in multiple mammalian species, which suggests that this missense change does not adversely affect protein function. In summary, the available evidence is currently insufficient to determine the role of this variant in disease. Therefore, it has been classified as a Variant of Uncertain Significance.